The following is an entry in ClinVar:

NM_198576.4(AGRN):c.2329A>C (p.Asn777His)

Gene: AGRN (agrin; plus strand). Cytogenetic location: 1p36.33.
Variant type: single nucleotide variant.
Coding change: c.2329A>C on transcript NM_198576.4 (MANE Select); coding-DNA position 2329, A replaced by C.
Protein change: p.Asn777His; replaces asparagine 777 with histidine.
Molecular consequence: missense variant.
Genome position (GRCh38, 1-based): chr1:1,045,235, A>C. VCF-style: chr1-1045235-A-C. GRCh37 (hg19) VCF-style: chr1-980615-A-C.
Other names: c.2329A>C, p.Asn777His (NM_001305275.2); c.2014A>C, p.Asn672His (NM_001364727.2); c.2329A>C (NM_198576.3); short protein forms N672H, N777H.
Identifiers: ClinVar variation 1397856 (VCV001397856.5), dbSNP rs777783441, ClinGen allele CA508578.

ClinVar aggregate classification (germline): Uncertain significance. Review status: criteria provided, multiple submitters, no conflicts (2 of 4 stars). 2 submissions from 2 submitters: Uncertain significance (2). Last evaluated 2023-12-15.

Conditions:
Congenital myasthenic syndrome 8. Also called: MYASTHENIC SYNDROME, CONGENITAL, DUE TO AGRIN DEFICIENCY; Myasthenic syndrome, congenital, 8, with pre- and postsynaptic defects. Identifiers: Orphanet 590, MedGen C3808739, MONDO:0014052, OMIM 615120.

Allele frequency attached by ClinVar (database versions not stated): gnomAD exomes 0.00004; ExAC 0.00006; gnomAD 0.00001.
gnomAD v4.1: 12 of 1,612,226 alleles (0.00074%); highest among the groups gnomAD compares: Admixed American, 0.015%; no homozygotes.

Submissions (2):

GeneDx
Classification: Uncertain significance. Last evaluated: 2023-12-15. Review status: criteria provided, single submitter. Criteria: GeneDx Variant Classification Process June 2021. Collection method: clinical testing. Allele origin: germline. Affected: yes.
Comment: In silico analysis supports that this missense variant has a deleterious effect on protein structure/function; Has not been previously published as pathogenic or benign to our knowledge

Labcorp Genetics (formerly Invitae), Labcorp
Classification: Uncertain significance for Congenital myasthenic syndrome 8. Last evaluated: 2023-09-10. Review status: criteria provided, single submitter. Criteria: Invitae Variant Classification Sherloc (09022015). Collection method: clinical testing. Allele origin: germline.
Comment: This sequence change replaces asparagine, which is neutral and polar, with histidine, which is basic and polar, at codon 777 of the AGRN protein (p.Asn777His). This variant is present in population databases (rs777783441, gnomAD 0.03%). This variant has not been reported in the literature in individuals affected with AGRN-related conditions. ClinVar contains an entry for this variant (Variation ID: 1397856). An algorithm developed to predict the effect of missense changes on protein structure and function (PolyPhen-2) suggests that this variant is likely to be disruptive. In summary, the available evidence is currently insufficient to determine the role of this variant in disease. Therefore, it has been classified as a Variant of Uncertain Significance.